The following is an entry in ClinVar:

ClinVar aggregate classification (germline): Uncertain significance (1 of 4 stars; one submission).

Conditions:
Familial adenomatous polyposis 1 (FAP1). Also called: FAMILIAL ADENOMATOUS POLYPOSIS 1, ATTENUATED; POLYPOSIS, ADENOMATOUS INTESTINAL. Identifiers: MedGen C2713442, MONDO:0021056, OMIM 175100. Disease mechanism: loss of function.

Submission:

Labcorp Genetics (formerly Invitae), Labcorp
Classification: Uncertain significance for Familial adenomatous polyposis 1. Last evaluated: 2026-01-10. Review status: criteria provided, single submitter. Criteria: Invitae Variant Classification Sherloc (09022015). Collection method: clinical testing. Allele origin: germline.
Comment: This variant occurs in a non-coding region of the APC gene. It does not change the encoded amino acid sequence of the APC protein. This variant is not present in population databases (gnomAD no frequency). This variant has not been reported in the literature in individuals affected with APC-related conditions. Experimental studies and prediction algorithms are not available or were not evaluated, and the functional significance of this variant is currently unknown. In summary, the available evidence is currently insufficient to determine the role of this variant in disease. Therefore, it has been classified as a Variant of Uncertain Significance.

NC_000005.10:g.112707329G>A

Gene: APC (APC regulator of Wnt signaling pathway; plus strand). Cytogenetic location: 5q22.2.
Variant type: single nucleotide variant.
Genome position: GRCh38 VCF-style: chr5-112707329-G-A. GRCh37 (hg19) VCF-style: chr5-112043026-G-A.
Identifiers: ClinVar variation 1025403 (VCV001025403.8), dbSNP rs1750548760, ClinGen allele CA1573442163.